The following is an entry in ClinVar:

NM_001365951.3(KIF1B):c.513C>G (p.His171Gln)

Gene: KIF1B (kinesin family member 1B; plus strand). Cytogenetic location: 1p36.22.
Variant type: single nucleotide variant.
Coding change: c.513C>G on transcript NM_001365951.3 (MANE Select); coding-DNA position 513, C replaced by G.
Protein change: p.His171Gln; replaces histidine 171 with glutamine.
Molecular consequence: missense variant.
Genome position (GRCh38, 1-based): chr1:10,267,463, C>G. VCF-style: chr1-10267463-C-G. GRCh37 (hg19) VCF-style: chr1-10327521-C-G.
Other names: c.513C>G, p.His171Gln (NM_001365952.1, NM_001365953.1, NM_015074.3 and 1 more transcripts); short protein forms H171Q.
Identifiers: ClinVar variation 4858804 (VCV004858804.1).

ClinVar aggregate classification (germline): Uncertain significance (1 of 4 stars; one submission).

Submission:

Ambry Genetics
Classification: Uncertain significance. Last evaluated: 2026-04-28. Review status: criteria provided, single submitter. Criteria: Ambry Variant Classification Scheme 2023. Collection method: clinical testing. Allele origin: germline.
Comment: The p.H171Q variant (also known as c.513C>G), located in coding exon 5 of the KIF1B gene, results from a C to G substitution at nucleotide position 513. The histidine at codon 171 is replaced by glutamine, an amino acid with highly similar properties. This amino acid position is conserved. In addition, this alteration is predicted to be deleterious by in silico analysis. Based on the available evidence, the clinical significance of this variant remains unclear.